The following is an entry in ClinVar:

ClinVar aggregate classification (germline): Uncertain significance (1 of 4 stars; one submission).

Conditions:
SATB1-related disorder. Also called: SATB1-related condition.

Submission:

PreventionGenetics, part of Exact Sciences
Classification: Uncertain significance for SATB1-related condition. Last evaluated: 2025-01-13. Review status: criteria provided, single submitter. Criteria: ACMG Guidelines, 2015. Collection method: clinical testing. Allele origin: germline.
Comment: The SATB1 c.1433_1435delCTA variant is predicted to result in an in-frame deletion (p.Thr478del). To our knowledge, this variant has not been reported in the literature or in a large population database (gnomAD), indicating this variant is rare. At this time, the clinical significance of this variant is uncertain due to the absence of conclusive functional and genetic evidence.

NM_002971.6(SATB1):c.1430CTA[1] (p.Thr478del)

Gene: SATB1 (SATB homeobox 1; minus strand). Cytogenetic location: 3p24.3.
Variant type: Microsatellite.
Coding change: c.1430CTA[1] on transcript NM_002971.6 (MANE Select); one copy of the 3-base unit CTA starting at c.1430; the reference has two copies in a row; one copy, 3 bases deleted.
Protein change: p.Thr478del; deletes threonine 478.
Molecular consequence: inframe deletion.
Genome position (GRCh38, 1-based): chr3:18,378,310-18,378,312, TAG deleted on the plus strand (CTA on the coding strand, the reverse complement: SATB1 is on the minus strand); deleting any 3 consecutive bases within chr3:18,378,310-18,378,315 gives the same sequence; the position shown is the placement nearest the transcript's 3' end. VCF-style (leftmost placement, unchanged base first): chr3-18378309-ATAG-A. GRCh37 (hg19) VCF-style: chr3-18419801-ATAG-A.
Other names: c.1430CTA[1], p.Thr478del (NM_001131010.4, NM_001195470.3, NM_001322871.2 and 4 more transcripts); c.1214CTA[1], p.Thr406del (NM_001322876.2); short protein forms T406del, T478del.
Identifiers: ClinVar variation 5001410 (VCV005001410.1).
Genomic context (GRCh38, chr3:18,378,309, plus strand): 5'-TAAATGGAAGCATTAATGTTCATGGTATTGTTCTCTGGTTTCCCATTCCTTTCAGTGGCA[ATAG>A]TAGCTGTTTTCACCTACAAAACATTTTGAACATGGCTGTCATTTTTCATTGGCTGAATTG-3'